The following is an entry in ClinVar:

ClinVar aggregate classification (germline): Conflicting classifications of pathogenicity. Review status: criteria provided, conflicting classifications (1 of 4 stars). 2 submissions from 2 submitters: Uncertain significance (1); Likely benign (1). Last evaluated 2021-10-14.

Conditions:
Cardiovascular phenotype. Identifiers: MedGen CN230736.

Allele frequency attached by ClinVar (database versions not stated): gnomAD exomes below 0.00001; ExAC 0.00001.
gnomAD v4.1: 3 of 1,612,940 alleles (0.00019%); highest among the groups gnomAD compares: Non-Finnish European, 0.00017%; no homozygotes.

Submissions (2):

Blueprint Genetics
Classification: Likely benign. Last evaluated: 2021-10-14. Review status: criteria provided, single submitter. Criteria: ACMG Guidelines, 2015. Collection method: clinical testing. Allele origin: germline.

Ambry Genetics
Classification: Uncertain significance for Cardiovascular phenotype. Last evaluated: 2020-06-18. Review status: criteria provided, single submitter. Criteria: Ambry Variant Classification Scheme 2023. Collection method: clinical testing. Allele origin: germline.
Comment: The p.E8535K variant (also known as c.25603G>A), located in coding exon 103 of the TTN gene, results from a G to A substitution at nucleotide position 25603. The glutamic acid at codon 8535 is replaced by lysine, an amino acid with similar properties. This amino acid position is not well conserved in available vertebrate species. In addition, this alteration is predicted to be tolerated by in silico analysis. Since supporting evidence is limited at this time, the clinical significance of this alteration remains unclear.

NM_001267550.2(TTN):c.52798G>A (p.Glu17600Lys)

Genes: TTN (titin; minus strand), TTN-AS1 (TTN antisense RNA 1; plus strand), LOC126806425 (BRD4-independent group 4 enhancer GRCh37_chr2:179471933-179473132; plus strand). Cytogenetic location: 2q31.2.
Variant type: single nucleotide variant.
Coding change: c.52798G>A on transcript NM_001267550.2 (MANE Select); coding-DNA position 52798, G replaced by A.
Protein change: p.Glu17600Lys; replaces glutamic acid 17600 with lysine.
Molecular consequence: missense variant.
Genome position (GRCh38, 1-based): chr2:178,607,989, C>T on the plus strand (G>A on the coding strand, the complement: TTN is on the minus strand). VCF-style: chr2-178607989-C-T. GRCh37 (hg19) VCF-style: chr2-179472716-C-T.
Other names: c.47875G>A, p.Glu15959Lys (NM_001256850.1); c.25603G>A, p.Glu8535Lys (NM_003319.4); c.45094G>A, p.Glu15032Lys (NM_133378.4); c.25978G>A, p.Glu8660Lys (NM_133432.3); c.26179G>A, p.Glu8727Lys (NM_133437.4); short protein forms E17600K, E15959K, E15032K, E8535K, E8660K, E8727K.
Identifiers: ClinVar variation 1793105 (VCV001793105.3), dbSNP rs745629273, ClinGen allele CA1993924.
Genomic context (GRCh38, chr2:178,607,989, plus strand): 5'-TGCAGCGTGACCATTCATTTGTGCCAACCAACTGCTTATCAACAAAATAGCCAACAATTT[C>T]CCCACCACCATTGAAAGCTGGGGGTTCCCATTCTAGTTCAATAGTTGTAGAGCTTGTGTC-3'
Protein context (NP_001254479.2, residues 17590-17610): WEPPAFNGGG[Glu17600Lys]IVGYFVDKQL